The following is an entry in ClinVar:

NM_017654.4(SAMD9):c.1762G>C (p.Asp588His)

Gene: SAMD9 (sterile alpha motif domain containing 9; minus strand). Cytogenetic location: 7q21.2.
Variant type: single nucleotide variant.
Coding change: c.1762G>C on transcript NM_017654.4 (MANE Select); coding-DNA position 1762, G replaced by C.
Protein change: p.Asp588His; replaces aspartic acid 588 with histidine.
Molecular consequence: missense variant.
Genome position (GRCh38, 1-based): chr7:93,104,336, C>G on the plus strand (G>C on the coding strand, the complement: SAMD9 is on the minus strand). VCF-style: chr7-93104336-C-G. GRCh37 (hg19) VCF-style: chr7-92733649-C-G.
Other names: c.1762G>C, p.Asp588His (NM_001193307.2); c.1762G>C (NM_017654.3); short protein forms D588H.
Identifiers: ClinVar variation 1522279 (VCV001522279.9), dbSNP rs1251931171, ClinGen allele CA368194825.

ClinVar aggregate classification (germline): Uncertain significance. Review status: criteria provided, multiple submitters, no conflicts (2 of 4 stars). 2 submissions from 2 submitters: Uncertain significance (2). Last evaluated 2025-09-28.

Conditions:
Inborn genetic diseases. Identifiers: MedGen C0950123, MeSH D030342.

gnomAD v4.1: 1 of 1,613,740 alleles (0.000062%); highest among the groups gnomAD compares: Non-Finnish European, 0.000085%; no homozygotes.

Submissions (2):

Ambry Genetics
Classification: Uncertain significance for Inborn genetic diseases. Last evaluated: 2025-09-28. Review status: criteria provided, single submitter. Criteria: Ambry Variant Classification Scheme 2023. Collection method: clinical testing. Allele origin: germline.
Comment: The p.D588H variant (also known as c.1762G>C), located in coding exon 1 of the SAMD9 gene, results from a G to C substitution at nucleotide position 1762. The aspartic acid at codon 588 is replaced by histidine, an amino acid with similar properties. This amino acid position is conserved. In addition, this alteration is predicted to be tolerated by in silico analysis. Based on the available evidence, the clinical significance of this variant remains unclear.

Labcorp Genetics (formerly Invitae), Labcorp
Classification: Uncertain significance. Last evaluated: 2024-02-11. Review status: criteria provided, single submitter. Criteria: Invitae Variant Classification Sherloc (09022015). Collection method: clinical testing. Allele origin: germline.
Comment: This sequence change replaces aspartic acid, which is acidic and polar, with histidine, which is basic and polar, at codon 588 of the SAMD9 protein (p.Asp588His). This variant is not present in population databases (gnomAD no frequency). This variant has not been reported in the literature in individuals affected with SAMD9-related conditions. ClinVar contains an entry for this variant (Variation ID: 1522279). Advanced modeling of protein sequence and biophysical properties (such as structural, functional, and spatial information, amino acid conservation, physicochemical variation, residue mobility, and thermodynamic stability) has been performed at Invitae for this missense variant, however the output from this modeling did not meet the statistical confidence thresholds required to predict the impact of this variant on SAMD9 protein function. In summary, the available evidence is currently insufficient to determine the role of this variant in disease. Therefore, it has been classified as a Variant of Uncertain Significance.